The following is an entry in ClinVar:

ClinVar aggregate classification (germline): Uncertain significance. Review status: criteria provided, multiple submitters, no conflicts (2 of 4 stars). 2 submissions from 2 submitters: Uncertain significance (2). Last evaluated 2025-02-13.

Conditions:
Cardiovascular phenotype. Identifiers: MedGen CN230736.

Allele frequency attached by ClinVar (database versions not stated): gnomAD exomes below 0.00001; gnomAD 0.00001; TOPMed 0.00001.
gnomAD v4.1: 4 of 1,550,326 alleles (0.00026%); highest among the groups gnomAD compares: Admixed American, 0.0039%; no homozygotes.

Submissions (2):

Ambry Genetics
Classification: Uncertain significance for Cardiovascular phenotype. Last evaluated: 2025-02-13. Review status: criteria provided, single submitter. Criteria: Ambry Variant Classification Scheme 2023. Collection method: clinical testing. Allele origin: germline.
Comment: The p.P3877S variant (also known as c.11629C>T), located in coding exon 2 of the ZNF469 gene, results from a C to T substitution at nucleotide position 11629. The proline at codon 3877 is replaced by serine, an amino acid with similar properties. This amino acid position is conserved. In addition, this alteration is predicted to be tolerated by in silico analysis. Based on the available evidence, the clinical significance of this variant remains unclear.

Labcorp Genetics (formerly Invitae), Labcorp
Classification: Uncertain significance. Last evaluated: 2022-07-17. Review status: criteria provided, single submitter. Criteria: Invitae Variant Classification Sherloc (09022015). Collection method: clinical testing. Allele origin: germline.
Comment: This sequence change replaces proline, which is neutral and non-polar, with serine, which is neutral and polar, at codon 3877 of the ZNF469 protein (p.Pro3877Ser). This variant is present in population databases (no rsID available, gnomAD 0.008%). This variant has not been reported in the literature in individuals affected with ZNF469-related conditions. Algorithms developed to predict the effect of missense changes on protein structure and function are either unavailable or do not agree on the potential impact of this missense change (SIFT: "Tolerated"; PolyPhen-2: "Possibly Damaging"; Align-GVGD: "Class C0"). In summary, the available evidence is currently insufficient to determine the role of this variant in disease. Therefore, it has been classified as a Variant of Uncertain Significance.

NM_001367624.2(ZNF469):c.11713C>T (p.Pro3905Ser)

Gene: ZNF469 (zinc finger protein 469; plus strand). Cytogenetic location: 16q24.2.
Variant type: single nucleotide variant.
Coding change: c.11713C>T on transcript NM_001367624.2 (MANE Select); coding-DNA position 11713, C replaced by T.
Protein change: p.Pro3905Ser; replaces proline 3905 with serine.
Molecular consequence: missense variant.
Genome position (GRCh38, 1-based): chr16:88,439,183, C>T. VCF-style: chr16-88439183-C-T. GRCh37 (hg19) VCF-style: chr16-88505591-C-T.
Other names: NM_001127464.1:c.11629C>T; short protein forms P3905S.
Identifiers: ClinVar variation 2149685 (VCV002149685.2), dbSNP rs1487655728, ClinGen allele CA397131053.